The following is an entry in ClinVar:

ClinVar aggregate classification (germline): Likely pathogenic. Review status: criteria provided, multiple submitters, no conflicts (2 of 4 stars). 3 submissions from 3 submitters: Likely pathogenic (3). Last evaluated 2025-02-04.

Conditions:
Carney complex, type 1 (CNC1). Also called: CARNEY COMPLEX, TYPE I; CARNEY MYXOMA-ENDOCRINE COMPLEX. Identifiers: Orphanet 1359, MedGen C2607929, MONDO:0008057, OMIM 160980.
Pigmented nodular adrenocortical disease, primary, 1 (PPNAD1). Also called: ADRENOCORTICAL NODULAR DYSPLASIA, PRIMARY; CUSHING SYNDROME, ADRENAL, DUE TO PPNAD1; PIGMENTED MICRONODULAR ADRENOCORTICAL DISEASE, PRIMARY, 1. Identifiers: Orphanet 189439, MedGen C1864846, MONDO:0012509, OMIM 610489.
Acrodysostosis 1 with or without hormone resistance (ACRDYS1). Also called: ACRODYSOSTOSIS WITH HORMONE RESISTANCE; ACRODYSOSTOSIS 1 WITH HORMONE RESISTANCE; ACRODYSOSTOSIS 1 WITHOUT HORMONE RESISTANCE. Identifiers: Orphanet 280651, MedGen C3276228, MONDO:0007044, OMIM 101800.
Familial atrial myxoma. Identifiers: Orphanet 615, MedGen C2931787, MONDO:0009719, OMIM 255960.
PRKAR1A-related disorder. Also called: PRKAR1A-related condition.

Submissions (3):

Labcorp Genetics (formerly Invitae), Labcorp
Classification: Likely pathogenic for Carney complex, type 1. Last evaluated: 2025-02-04. Review status: criteria provided, single submitter. Criteria: Invitae Variant Classification Sherloc (09022015). Collection method: clinical testing. Allele origin: germline.
Comment: This sequence change affects a donor splice site in intron 9 of the PRKAR1A gene. It is expected to disrupt RNA splicing. Variants that disrupt the donor or acceptor splice site typically lead to a loss of protein function (PMID: 16199547), and loss-of-function variants in PRKAR1A are known to be pathogenic (PMID: 11115848, 19293268). This variant is not present in population databases (gnomAD no frequency). This variant has not been reported in the literature in individuals affected with PRKAR1A-related conditions. ClinVar contains an entry for this variant (Variation ID: 3383348). Algorithms developed to predict the effect of sequence changes on RNA splicing suggest that this variant may disrupt the consensus splice site. In summary, the currently available evidence indicates that the variant is pathogenic, but additional data are needed to prove that conclusively. Therefore, this variant has been classified as Likely Pathogenic.

Fulgent Genetics
Classification: Likely pathogenic for Acrodysostosis 1 with or without hormone resistance; Carney complex, type 1; Familial atrial myxoma; Pigmented nodular adrenocortical disease, primary, 1. Last evaluated: 2024-05-07. Review status: criteria provided, single submitter. Criteria: ACMG Guidelines, 2015. Collection method: clinical testing. Allele origin: germline.

Swedish National ChiCaP Initative, Genomic Medicine Sweden
Classification: Likely pathogenic for PRKAR1A-related disorder. Last evaluated: 2024-05-01. Review status: criteria provided, single submitter. Criteria: ACMG Guidelines, 2015. Collection method: clinical testing. Allele origin: de novo. Affected: yes.

Literature cited by the submitters: PubMed 16199547 (cited by Labcorp Genetics (formerly Invitae), Labcorp); PubMed 11115848 (cited by Labcorp Genetics (formerly Invitae), Labcorp); PubMed 19293268 (cited by Labcorp Genetics (formerly Invitae), Labcorp).

NM_002734.5(PRKAR1A):c.891+1G>A

Gene: PRKAR1A (protein kinase cAMP-dependent type I regulatory subunit alpha; plus strand). Cytogenetic location: 17q24.2.
Variant type: single nucleotide variant.
Coding change: c.891+1G>A on transcript NM_002734.5 (MANE Select); the canonical splice donor site of the intron after coding-DNA position 891, G replaced by A.
Molecular consequence: splice donor variant.
Genome position (GRCh38, 1-based): chr17:68,528,992, G>A. VCF-style: chr17-68528992-G-A. GRCh37 (hg19) VCF-style: chr17-66525133-G-A.
Other names: c.891+1G>A (NM_001278433.2, NM_001369389.1, NM_212471.3 and 4 more transcripts).
Identifiers: ClinVar variation 3383348 (VCV003383348.3).